The following is an entry in ClinVar:

ClinVar aggregate classification (germline): Uncertain significance. Review status: criteria provided, multiple submitters, no conflicts (2 of 4 stars). 2 submissions from 2 submitters: Uncertain significance (2). Last evaluated 2024-03-11.

Conditions:
Carney-Stratakis syndrome. Also called: PARAGANGLIOMA AND GASTROINTESTINAL STROMAL TUMOR. Identifiers: Orphanet 97286, MedGen C1847319, MONDO:0011740, OMIM 606864.
Cowden syndrome 3 (CWS3). Identifiers: Orphanet 201, MedGen CN166604, MONDO:0014045.
Pheochromocytoma. Also called: MAX-Related Hereditary Paraganglioma-Pheochromocytoma Syndrome. Identifiers: Orphanet 29072, MedGen C0031511, MONDO:0008233, OMIM 171300, HP:0002666.
Paragangliomas with sensorineural hearing loss. Identifiers: MedGen C1868633.
Mitochondrial complex 2 deficiency, nuclear type 3. Also called: MITOCHONDRIAL COMPLEX II DEFICIENCY, NUCLEAR TYPE 3. Identifiers: MedGen C5436934, MONDO:0030937, OMIM 619167.

Submissions (2):

Baylor Genetics
Classification: Uncertain significance for Mitochondrial complex 2 deficiency, nuclear type 3. Last evaluated: 2024-03-11. Review status: criteria provided, single submitter. Criteria: ACMG Guidelines, 2015. Collection method: clinical testing. Allele origin: unknown.

Labcorp Genetics (formerly Invitae), Labcorp
Classification: Uncertain significance for Carney-Stratakis syndrome; Paragangliomas with sensorineural hearing loss; Pheochromocytoma; Cowden syndrome 3. Last evaluated: 2024-03-05. Review status: criteria provided, single submitter. Criteria: Invitae Variant Classification Sherloc (09022015). Collection method: clinical testing. Allele origin: germline.
Comment: This sequence change replaces glycine, which is neutral and non-polar, with valine, which is neutral and non-polar, at codon 78 of the SDHD protein (p.Gly78Val). This variant is not present in population databases (gnomAD no frequency). This variant has not been reported in the literature in individuals affected with SDHD-related conditions. ClinVar contains an entry for this variant (Variation ID: 835848). Advanced modeling of protein sequence and biophysical properties (such as structural, functional, and spatial information, amino acid conservation, physicochemical variation, residue mobility, and thermodynamic stability) has been performed at Invitae for this missense variant, however the output from this modeling did not meet the statistical confidence thresholds required to predict the impact of this variant on SDHD protein function. In summary, the available evidence is currently insufficient to determine the role of this variant in disease. Therefore, it has been classified as a Variant of Uncertain Significance.

NM_003002.4(SDHD):c.233G>T (p.Gly78Val)

Gene: SDHD (succinate dehydrogenase complex subunit D; plus strand). Cytogenetic location: 11q23.1.
Variant type: single nucleotide variant.
Coding change: c.233G>T on transcript NM_003002.4 (MANE Select); coding-DNA position 233, G replaced by T.
Protein change: p.Gly78Val; replaces glycine 78 with valine.
Molecular consequence: missense variant. On other transcripts: non-coding transcript variant (1), intron variant (1).
Genome position (GRCh38, 1-based): chr11:112,088,930, G>T. VCF-style: chr11-112088930-G-T. GRCh37 (hg19) VCF-style: chr11-111959654-G-T.
Other names: c.116G>T, p.Gly39Val (NM_001276504.2); c.233G>T, p.Gly78Val (NM_001276506.2); c.169+957G>T (NM_001276503.2); short protein forms G78V, G39V.
Identifiers: ClinVar variation 835848 (VCV000835848.12), dbSNP rs1865688426, ClinGen allele CA382617281.
Genomic context (GRCh38, chr11:112,088,930, plus strand): 5'-GCTCCAAGGCTGCATCTCTCCACTGGACTAGCGAGAGGGTTGTCAGTGTTTTGCTCCTGG[G>T]TCTGCTTCCGGCTGCTTATTTGAATCCTTGCTCTGCGATGGACTATTCCCTGGCTGCAGC-3'
Protein context (NP_002993.1, residues 68-88): SERVVSVLLL[Gly78Val]LLPAAYLNPC